The following is an entry in ClinVar:

ClinVar aggregate classification (germline): Uncertain significance. Review status: criteria provided, multiple submitters, no conflicts (2 of 4 stars). 2 submissions from 2 submitters: Uncertain significance (2). Last evaluated 2022-07-20.

Conditions:
Short-rib thoracic dysplasia 13 with or without polydactyly (SRTD13). Identifiers: Orphanet 474, MedGen C4225378, MONDO:0014577, OMIM 616300.
Inborn genetic diseases. Identifiers: MedGen C0950123, MeSH D030342.

Allele frequency attached by ClinVar (database versions not stated): ExAC 0.00001.
gnomAD v4.1: 3 of 1,614,190 alleles (0.00019%); highest among the groups gnomAD compares: Admixed American, 0.005%; no homozygotes.

Submissions (2):

Labcorp Genetics (formerly Invitae), Labcorp
Classification: Uncertain significance for Short-rib thoracic dysplasia 13 with or without polydactyly. Last evaluated: 2022-07-20. Review status: criteria provided, single submitter. Criteria: Invitae Variant Classification Sherloc (09022015). Collection method: clinical testing. Allele origin: germline.
Comment: In summary, the available evidence is currently insufficient to determine the role of this variant in disease. Therefore, it has been classified as a Variant of Uncertain Significance. Algorithms developed to predict the effect of missense changes on protein structure and function (SIFT, PolyPhen-2, Align-GVGD) all suggest that this variant is likely to be tolerated. This variant has not been reported in the literature in individuals affected with CEP120-related conditions. This variant is present in population databases (rs780961044, gnomAD 0.009%). This sequence change replaces aspartic acid, which is acidic and polar, with alanine, which is neutral and non-polar, at codon 397 of the CEP120 protein (p.Asp397Ala).

Ambry Genetics
Classification: Uncertain significance for Inborn genetic diseases. Last evaluated: 2021-08-23. Review status: criteria provided, single submitter. Criteria: Ambry Variant Classification Scheme 2023. Collection method: clinical testing. Allele origin: germline.

NM_001375405.1(CEP120):c.1190A>C (p.Asp397Ala)

Gene: CEP120 (centrosomal protein 120; minus strand). Cytogenetic location: 5q23.2.
Variant type: single nucleotide variant.
Coding change: c.1190A>C on transcript NM_001375405.1 (MANE Select); coding-DNA position 1190, A replaced by C.
Protein change: p.Asp397Ala; replaces aspartic acid 397 with alanine.
Molecular consequence: missense variant. On other transcripts: non-coding transcript variant (1).
Genome position (GRCh38, 1-based): chr5:123,389,989, T>G on the plus strand (A>C on the coding strand, the complement: CEP120 is on the minus strand). VCF-style: chr5-123389989-T-G. GRCh37 (hg19) VCF-style: chr5-122725683-T-G.
Other names: c.1112A>C, p.Asp371Ala (NM_001166226.2); c.1055A>C, p.Asp352Ala (NM_001375406.1); c.1190A>C, p.Asp397Ala (NM_001375407.1, NM_153223.4); c.617A>C, p.Asp206Ala (NM_001375408.1, NM_001375409.1); short protein forms D371A, D206A, D352A, D397A.
Identifiers: ClinVar variation 1928662 (VCV001928662.4), dbSNP rs780961044, ClinGen allele CA3387032.
Genomic context (GRCh38, chr5:123,389,989, plus strand): 5'-GGATTTGGTTTGGTGTCCTTATCATACTGTAAACTTTCCACTTCACTTTCTGTTGCATCA[T>G]CTTTTGTTGGAGGTGACTGGTTGTGAGATGGAACAGGGGACACTGTTGGTGATTTTGGCC-3'
Protein context (NP_001362334.1, residues 387-407): PSHNQSPPTK[Asp397Ala]DATESEVESL